The following is an entry in ClinVar:

ClinVar aggregate classification (germline): Benign/Likely benign. Review status: criteria provided, multiple submitters, no conflicts (2 of 4 stars). 5 submissions from 5 submitters: Benign (3); Likely benign (1). 1 of the submissions does not count toward it. Last evaluated 2026-01-27.

Conditions:
Dystrophin deficiency.
Becker muscular dystrophy (BMD). Also called: MUSCULAR DYSTROPHY, PSEUDOHYPERTROPHIC PROGRESSIVE, BECKER TYPE; Becker Muscular Dystrophy (BMD). Identifiers: Orphanet 98895, MedGen C0917713, MONDO:0010311, OMIM 300376.
Cardiomyopathy (CMYO). Also called: Cardiomyopathies. Identifiers: Orphanet 167848, MedGen C0878544, MONDO:0004994, HP:0001638. Inheritance: Various modes of inheritance.
Duchenne muscular dystrophy (DMD). Also called: Duchenne Muscular Dystrophy (DMD); MUSCULAR DYSTROPHY, PSEUDOHYPERTROPHIC PROGRESSIVE, DUCHENNE TYPE. Identifiers: Orphanet 98896, MedGen C0013264, MONDO:0010679, OMIM 310200.

Allele frequency attached by ClinVar (database versions not stated): ExAC 0.00055; 1000 Genomes Project 30x 0.00125; 1000 Genomes Project 0.00159; gnomAD exomes 0.00012 and 0.00060; TOPMed 0.00030; gnomAD 0.00031 and 0.00034.
gnomAD v4.1: 206 of 1,204,160 alleles (0.017%); highest among the groups gnomAD compares: East Asian, 0.45%; no homozygotes.

Submissions (5):

Labcorp Genetics (formerly Invitae), Labcorp
Classification: Benign for Duchenne muscular dystrophy. Last evaluated: 2026-01-27. Review status: criteria provided, single submitter. Criteria: Invitae Variant Classification Sherloc (09022015). Collection method: clinical testing. Allele origin: germline.

Blueprint Genetics
Classification: Likely benign. Last evaluated: 2024-11-21. Review status: criteria provided, single submitter. Criteria: ACMG Guidelines, 2015. Collection method: clinical testing. Allele origin: germline.

Eurofins Ntd Llc (ga)
Classification: Benign. Last evaluated: 2015-09-22. Review status: criteria provided, single submitter. Criteria: EGL Classification Definitions 2015. Collection method: clinical testing. Allele origin: germline. Observed: 1 variant allele, 1 hemizygote.

GeneDx
Classification: Benign. Last evaluated: 2014-07-11. Review status: criteria provided, single submitter. Criteria: GeneDx Variant Classification (06012015). Collection method: clinical testing. Allele origin: germline. Affected: yes.
Comment: This variant is considered likely benign or benign based on one or more of the following criteria: it is a conservative change, it occurs at a poorly conserved position in the protein, it is predicted to be benign by multiple in silico algorithms, and/or has population frequency not consistent with disease.

Natera, Inc.
Classification: Benign for Becker muscular dystrophy; Cardiomyopathy; Duchenne muscular dystrophy; Dystrophin deficiency. Last evaluated: 2018-04-10. Review status: no assertion criteria provided. Collection method: clinical testing. Allele origin: germline. Not counted in ClinVar's aggregate classification.

NM_004006.3(DMD):c.5586+18A>G

Gene: DMD (dystrophin; minus strand). Cytogenetic location: Xp21.1.
Variant type: single nucleotide variant.
Coding change: c.5586+18A>G on transcript NM_004006.3 (MANE Select); 18 bases into the intron after coding-DNA position 5586, A replaced by G.
Molecular consequence: intron variant.
Genome position (GRCh38, 1-based): chrX:32,345,925, T>C on the plus strand (A>G on the coding strand, the complement: DMD is on the minus strand). VCF-style: chrX-32345925-T-C. GRCh37 (hg19) VCF-style: chrX-32364042-T-C.
Other names: c.5562+18A>G (NM_000109.4); c.1563+18A>G (NM_004011.4); c.1554+18A>G (NM_004012.4); c.5574+18A>G (NM_004009.3); c.5217+18A>G (NM_004010.3).
Identifiers: ClinVar variation 94672 (VCV000094672.15), dbSNP rs189522063, ClinGen allele CA222435.